The following is an entry in ClinVar:

NM_000426.4(LAMA2):c.208G>A (p.Val70Ile)

Gene: LAMA2 (laminin subunit alpha 2; plus strand). Cytogenetic location: 6q22.33.
Variant type: single nucleotide variant.
Coding change: c.208G>A on transcript NM_000426.4 (MANE Select); coding-DNA position 208, G replaced by A.
Protein change: p.Val70Ile; replaces valine 70 with isoleucine.
Molecular consequence: missense variant.
Genome position (GRCh38, 1-based): chr6:129,050,013, G>A. VCF-style: chr6-129050013-G-A. GRCh37 (hg19) VCF-style: chr6-129371158-G-A.
Other names: c.208G>A, p.Val70Ile (NM_001079823.2); short protein forms V70I.
Identifiers: ClinVar variation 863340 (VCV000863340.7), dbSNP rs1787880910, ClinGen allele CA365828590.

ClinVar aggregate classification (germline): Uncertain significance (1 of 4 stars; one submission).

Conditions:
LAMA2-related muscular dystrophy (LAMA2-RD). Also called: Laminin alpha 2-related dystrophy. Identifiers: MedGen C5679788, MONDO:0100228.

gnomAD v4.1: 1 of 1,614,076 alleles (0.000062%); highest among the groups gnomAD compares: East Asian, 0.0022%; no homozygotes.

Submission:

Labcorp Genetics (formerly Invitae), Labcorp
Classification: Uncertain significance for LAMA2-related muscular dystrophy. Last evaluated: 2022-08-31. Review status: criteria provided, single submitter. Criteria: Invitae Variant Classification Sherloc (09022015). Collection method: clinical testing. Allele origin: germline.
Comment: This sequence change replaces valine, which is neutral and non-polar, with isoleucine, which is neutral and non-polar, at codon 70 of the LAMA2 protein (p.Val70Ile). This variant is not present in population databases (gnomAD no frequency). This variant has not been reported in the literature in individuals affected with LAMA2-related conditions. ClinVar contains an entry for this variant (Variation ID: 863340). Advanced modeling of protein sequence and biophysical properties (such as structural, functional, and spatial information, amino acid conservation, physicochemical variation, residue mobility, and thermodynamic stability) performed at Invitae indicates that this missense variant is not expected to disrupt LAMA2 protein function. In summary, the available evidence is currently insufficient to determine the role of this variant in disease. Therefore, it has been classified as a Variant of Uncertain Significance.